The following is an entry in ClinVar:

ClinVar aggregate classification (germline): Uncertain significance. Review status: criteria provided, multiple submitters, no conflicts (2 of 4 stars). 3 submissions from 3 submitters: Uncertain significance (3). Last evaluated 2025-02-12.

Allele frequency attached by ClinVar (database versions not stated): gnomAD exomes below 0.00001; ExAC 0.00001; gnomAD 0.00001; TOPMed 0.00002.
gnomAD v4.1: 3 of 1,614,042 alleles (0.00019%); highest among the groups gnomAD compares: Admixed American, 0.0017%; no homozygotes.

Submissions (3):

Ambry Genetics
Classification: Uncertain significance. Last evaluated: 2025-02-12. Review status: criteria provided, single submitter. Criteria: Ambry Variant Classification Scheme 2023. Collection method: clinical testing. Allele origin: germline.

Labcorp Genetics (formerly Invitae), Labcorp
Classification: Uncertain significance. Last evaluated: 2022-07-05. Review status: criteria provided, single submitter. Criteria: Invitae Variant Classification Sherloc (09022015). Collection method: clinical testing. Allele origin: germline.
Comment: In summary, the available evidence is currently insufficient to determine the role of this variant in disease. Therefore, it has been classified as a Variant of Uncertain Significance. Algorithms developed to predict the effect of missense changes on protein structure and function (SIFT, PolyPhen-2, Align-GVGD) all suggest that this variant is likely to be disruptive. ClinVar contains an entry for this variant (Variation ID: 1051619). This variant has not been reported in the literature in individuals affected with DHX38-related conditions. This variant is present in population databases (rs774324893, gnomAD 0.004%). This sequence change replaces serine, which is neutral and polar, with leucine, which is neutral and non-polar, at codon 1061 of the DHX38 protein (p.Ser1061Leu).

Blueprint Genetics
Classification: Uncertain significance. Last evaluated: 2020-04-15. Review status: criteria provided, single submitter. Criteria: ACMG Guidelines, 2015. Collection method: clinical testing. Allele origin: germline.

NM_014003.4(DHX38):c.3182C>T (p.Ser1061Leu)

Genes: DHX38 (DEAH-box helicase 38; plus strand), LOC126862391 (CDK7 strongly-dependent group 2 enhancer GRCh37_chr16:72141414-72142613; plus strand). Cytogenetic location: 16q22.2.
Variant type: single nucleotide variant.
Coding change: c.3182C>T on transcript NM_014003.4 (MANE Select); coding-DNA position 3182, C replaced by T.
Protein change: p.Ser1061Leu; replaces serine 1061 with leucine.
Molecular consequence: missense variant.
Genome position (GRCh38, 1-based): chr16:72,108,534, C>T. VCF-style: chr16-72108534-C-T. GRCh37 (hg19) VCF-style: chr16-72142433-C-T.
Other names: c.3182C>T (NM_014003.3); short protein forms S1061L.
Identifiers: ClinVar variation 1051619 (VCV001051619.9), dbSNP rs774324893, ClinGen allele CA8160900.